The following is an entry in ClinVar:

NM_001160372.4(TRAPPC9):c.2556G>A (p.Lys852=)

Gene: TRAPPC9 (trafficking protein particle complex subunit 9; minus strand). Cytogenetic location: 8q24.3.
Variant type: single nucleotide variant.
Coding change: c.2556G>A on transcript NM_001160372.4 (MANE Select); coding-DNA position 2556, G replaced by A.
Protein change: p.Lys852=; no amino-acid change (lysine 852 retained).
Molecular consequence: synonymous variant. On other transcripts: non-coding transcript variant (1).
Genome position (GRCh38, 1-based): chr8:140,221,459, C>T on the plus strand (G>A on the coding strand, the complement: TRAPPC9 is on the minus strand). VCF-style: chr8-140221459-C-T. GRCh37 (hg19) VCF-style: chr8-141231558-C-T.
Other names: c.2529G>A, p.Lys843= (NM_001321646.2); c.2577G>A, p.Lys859= (NM_001374682.1); c.2556G>A, p.Lys852= (NM_001374683.1, NM_031466.8); c.2412G>A, p.Lys804= (NM_001374684.1).
Identifiers: ClinVar variation 1970270 (VCV001970270.5), dbSNP rs1563857999, ClinGen allele CA463213296.

ClinVar aggregate classification (germline): Uncertain significance (1 of 4 stars; one submission).

Allele frequency attached by ClinVar (database versions not stated): gnomAD exomes 0.00001.
gnomAD v4.1: 15 of 1,614,076 alleles (0.00093%); highest among the groups gnomAD compares: Non-Finnish European, 0.0012%; no homozygotes.

Submission:

Labcorp Genetics (formerly Invitae), Labcorp
Classification: Uncertain significance. Last evaluated: 2022-08-23. Review status: criteria provided, single submitter. Criteria: Invitae Variant Classification Sherloc (09022015). Collection method: clinical testing. Allele origin: germline.
Comment: In summary, the available evidence is currently insufficient to determine the role of this variant in disease. Therefore, it has been classified as a Variant of Uncertain Significance. Variants that disrupt the consensus splice site are a relatively common cause of aberrant splicing (PMID: 17576681, 9536098). Algorithms developed to predict the effect of sequence changes on RNA splicing suggest that this variant may create or strengthen a splice site. This variant has not been reported in the literature in individuals affected with TRAPPC9-related conditions. This variant is not present in population databases (gnomAD no frequency). This sequence change affects codon 950 of the TRAPPC9 mRNA. It is a 'silent' change, meaning that it does not change the encoded amino acid sequence of the TRAPPC9 protein. This variant also falls at the last nucleotide of exon 17, which is part of the consensus splice site for this exon.

Literature cited by the submitters: PubMed 17576681; PubMed 9536098.